The following is an entry in ClinVar:

NM_024642.5(GALNT12):c.597G>C (p.Leu199=)

Gene: GALNT12 (polypeptide N-acetylgalactosaminyltransferase 12; plus strand). Cytogenetic location: 9q22.33.
Variant type: single nucleotide variant.
Coding change: c.597G>C on transcript NM_024642.5 (MANE Select); coding-DNA position 597, G replaced by C.
Protein change: p.Leu199=; no amino-acid change (leucine 199 retained).
Molecular consequence: synonymous variant.
Genome position (GRCh38, 1-based): chr9:98,826,807, G>C. VCF-style: chr9-98826807-G-C. GRCh37 (hg19) VCF-style: chr9-101589089-G-C.
Identifiers: ClinVar variation 826089 (VCV000826089.5), dbSNP rs774413342, ClinGen allele CA5153997.

ClinVar aggregate classification (germline): Benign/Likely benign. Review status: criteria provided, multiple submitters, no conflicts (2 of 4 stars). 2 submissions from 2 submitters: Benign (1); Likely benign (1). Last evaluated 2026-04-23.

Conditions:
Colorectal cancer, susceptibility to, 1. Also called: COLORECTAL ADENOMA AND CANCER, SUSCEPTIBILITY TO; COLORECTAL CANCER, SUSCEPTIBILITY TO, ON CHROMOSOME 9. Identifiers: MedGen C1837315, MONDO:0012132, OMIM 608812.

Allele frequency attached by ClinVar (database versions not stated): gnomAD exomes below 0.00001; ExAC 0.00001.
gnomAD v4.1: 1 of 1,612,100 alleles (0.000062%); highest among the groups gnomAD compares: South Asian, 0.0011%; no homozygotes.

Submissions (2):

Myriad Genetics, Inc.
Classification: Benign for Colorectal cancer, susceptibility to, 1. Last evaluated: 2026-04-23. Review status: criteria provided, single submitter. Criteria: Myriad Autosomal Dominant, Autosomal Recessive and X-Linked Classification Criteria (2023). Collection method: clinical testing. Allele origin: unknown.
Comment: This variant is considered benign. This variant is a silent/synonymous amino acid change and it is not expected to impact splicing.

Ambry Genetics
Classification: Likely benign. Last evaluated: 2019-06-07. Review status: criteria provided, single submitter. Criteria: Ambry Variant Classification Scheme 2023. Collection method: clinical testing. Allele origin: germline.